The following is an entry in ClinVar:

ClinVar aggregate classification (germline): Likely benign. Review status: criteria provided, single submitter (1 of 4 stars). 2 submissions from 2 submitters: Likely benign (1). 1 of the submissions does not count toward it. Last evaluated 2024-04-14.

Conditions:
Treacher Collins syndrome 1 (TCS1). Also called: TCOF1-Related Treacher Collins Syndrome. Identifiers: Orphanet 861, MedGen CN315775, MONDO:0007944, OMIM 154500.
TCOF1-related disorder. Also called: TCOF1-related condition.

Allele frequency attached by ClinVar (database versions not stated): gnomAD exomes 0.00001; TOPMed 0.00001; ExAC 0.00002; gnomAD 0.00002; 1000 Genomes Project 0.00020; 1000 Genomes Project 30x 0.00031.
gnomAD v4.1: 12 of 1,614,222 alleles (0.00074%); highest among the groups gnomAD compares: Middle Eastern, 0.016%; no homozygotes.

Submissions (2):

Labcorp Genetics (formerly Invitae), Labcorp
Classification: Likely benign for Treacher Collins syndrome 1. Last evaluated: 2024-04-14. Review status: criteria provided, single submitter. Criteria: Invitae Variant Classification Sherloc (09022015). Collection method: clinical testing. Allele origin: germline.

PreventionGenetics, part of Exact Sciences
Classification: Likely benign for TCOF1-related condition. Last evaluated: 2019-09-17. Review status: no assertion criteria provided. Collection method: clinical testing. Allele origin: germline. Not counted in ClinVar's aggregate classification.
Comment: This variant is classified as likely benign based on ACMG/AMP sequence variant interpretation guidelines (Richards et al. 2015 PMID: 25741868, with internal and published modifications).

NM_001371623.1(TCOF1):c.3450C>T (p.Ser1150=)

Gene: TCOF1 (treacle ribosome biogenesis factor 1; plus strand). Cytogenetic location: 5q32.
Variant type: single nucleotide variant.
Coding change: c.3450C>T on transcript NM_001371623.1 (MANE Select); coding-DNA position 3450, C replaced by T.
Protein change: p.Ser1150=; no amino-acid change (serine 1150 retained).
Molecular consequence: synonymous variant.
Genome position (GRCh38, 1-based): chr5:150,392,109, C>T. VCF-style: chr5-150392109-C-T. GRCh37 (hg19) VCF-style: chr5-149771672-C-T.
Other names: c.3219C>T, p.Ser1073= (NM_000356.4, NM_001135245.2); c.3450C>T, p.Ser1150= (NM_001135243.2); c.3336C>T, p.Ser1112= (NM_001135244.2, NM_001195141.2); c.3450C>T (NM_001135243.1).
Identifiers: ClinVar variation 2718860 (VCV002718860.5), dbSNP rs554119837, ClinGen allele CA3511501.